The following is an entry in ClinVar:

ClinVar aggregate classification (germline): Uncertain significance (1 of 4 stars; one submission).

Conditions:
Early-onset Parkinson disease 20. Also called: PARKINSON DISEASE 20, AUTOSOMAL RECESSIVE EARLY-ONSET. Identifiers: Orphanet 391411, MedGen C3809824, MONDO:0014233, OMIM 615530.
Developmental and epileptic encephalopathy, 53. Also called: Epileptic encephalopathy, early infantile, 53. Identifiers: MedGen C4479313, MONDO:0033362, OMIM 617389.

Submission:

Labcorp Genetics (formerly Invitae), Labcorp
Classification: Uncertain significance for Developmental and epileptic encephalopathy, 53; Early-onset Parkinson disease 20. Last evaluated: 2022-07-19. Review status: criteria provided, single submitter. Criteria: Invitae Variant Classification Sherloc (09022015). Collection method: clinical testing. Allele origin: germline.
Comment: Algorithms developed to predict the effect of missense changes on protein structure and function are either unavailable or do not agree on the potential impact of this missense change (SIFT: "Deleterious"; PolyPhen-2: "Probably Damaging"; Align-GVGD: "Class C0"). This sequence change replaces alanine, which is neutral and non-polar, with valine, which is neutral and non-polar, at codon 693 of the SYNJ1 protein (p.Ala693Val). This variant is not present in population databases (gnomAD no frequency). This variant has not been reported in the literature in individuals affected with SYNJ1-related conditions. ClinVar contains an entry for this variant (Variation ID: 945015). Algorithms developed to predict the effect of sequence changes on RNA splicing suggest that this variant may disrupt the consensus splice site. In summary, the available evidence is currently insufficient to determine the role of this variant in disease. Therefore, it has been classified as a Variant of Uncertain Significance.

NM_203446.3(SYNJ1):c.1961C>T (p.Ala654Val)

Gene: SYNJ1 (synaptojanin 1; minus strand). Cytogenetic location: 21q22.11.
Variant type: single nucleotide variant.
Coding change: c.1961C>T on transcript NM_203446.3 (MANE Select); coding-DNA position 1961, C replaced by T.
Protein change: p.Ala654Val; replaces alanine 654 with valine.
Molecular consequence: missense variant.
Genome position (GRCh38, 1-based): chr21:32,666,127, G>A on the plus strand (C>T on the coding strand, the complement: SYNJ1 is on the minus strand). VCF-style: chr21-32666127-G-A. GRCh37 (hg19) VCF-style: chr21-34038437-G-A.
Other names: c.1961C>T, p.Ala654Val (NM_001160302.2); c.1946C>T, p.Ala649Val (NM_001160306.2); c.2078C>T, p.Ala693Val (NM_003895.4); short protein forms A693V, A654V, A649V.
Identifiers: ClinVar variation 945015 (VCV000945015.10), dbSNP rs2040918972, ClinGen allele CA410080077.
Genomic context (GRCh38, chr21:32,666,127, plus strand): 5'-ATTGCAACTGCTCCCTTATTTCCAGTTGCACCTCCCATTCCAGTCTTCACAGTATCAACT[G>A]CAACATCCCTTTGAAACAAAGAATTCTAAATCGCAGATTTGAAATTTCAAGAGTTCCATG-3'
Protein context (NP_982271.3, residues 644-664): PQHAPFIRDV[Ala654Val]VDTVKTGMGG